The following is an entry in ClinVar:

ClinVar aggregate classification (germline): Pathogenic/Likely pathogenic. Review status: criteria provided, multiple submitters, no conflicts (2 of 4 stars). 4 submissions from 4 submitters: Pathogenic (1); Likely pathogenic (1). 2 of the submissions do not count toward it. Last evaluated 2025-06-18.

Conditions:
von Willebrand disease type 3 (VWD3). Also called: Type 3 Von Willebrand's disease; Type 3 VWD; Von Willebrand disease, severe form; V WD3; VON WILLEBRAND DISEASE, TYPE III. Identifiers: Orphanet 166096, MedGen C1264041, MONDO:0010191, OMIM 277480.

Allele frequency attached by ClinVar (database versions not stated): gnomAD exomes below 0.00001 and 0.00001; ExAC 0.00001; gnomAD 0.00001; TOPMed 0.00001.

Submissions (4):

ARUP Laboratories, Molecular Genetics and Genomics, ARUP Laboratories
Classification: Pathogenic. Last evaluated: 2025-06-18. Review status: criteria provided, single submitter. Criteria: ARUP Molecular Germline Variant Investigation Process 2024. Collection method: clinical testing. Allele origin: germline.
Comment: The VWF c.2269_2270del; p.Leu757ValfsTer22 variant (rs61748465, ClinVar Variation ID: 100207) is reported in the literature in compound heterozygous individuals affected with von Willebrand disease (VWD) type 3 (Baronciani 2003, Sadler 2021, Yadegari 2012). This variant has also been reported in an individual with VWD type 1 that also carried a second variant, however, phase was not determined (Yadegari 2012). Additionally, this variant was found homozygous in an individual with severe VWD type 1 that had VWF:Ag of 1.2 U/dL; the individualâ€™s parents and offspring were heterozygous for the variant and had borderline VWF:Ag levels (Daidone 2020). This variant is only observed on two alleles in the Genome Aggregation Database (v2.1.1), indicating it is not a common polymorphism. This variant causes a frameshift by deleting two nucleotides, so it is predicted to result in a truncated protein or mRNA subject to nonsense-mediated decay. However, functional analyses demonstrated multiple mRNA products suggesting there may be some residual function (Daidone 2020). Based on available information, this variant is considered to be pathogenic. References: Baronciani L et al. Molecular defects in type 3 von Willebrand disease: updated results from 40 multiethnic patients. Blood Cells Mol Dis. 2003 May-Jun;30(3):264-70. PMID: 12737944. Daidone V et al. Cryptic non-canonical splice site activation is part of the mechanism that abolishes multimer organization in the c.2269_2270del von Willebrand factor. Haematologica. 2020 Apr;105(4):1120-1128. PMID: 31320553. Sadler B et al. von Willebrand factor antigen levels are associated with burden of rare nonsynonymous variants in the VWF gene. Blood. 2021 Jun 10;137(23):3277-3283. PMID: 33556167. Yadegari H et al. Mutation distribution in the von Willebrand factor gene related to the different von Willebrand disease (VWD) types in a cohort of VWD patients. Thromb Haemost. 2012 Oct;108(4):662-71. PMID: 22871923.

Quest Diagnostics Nichols Institute San Juan Capistrano
Classification: Likely pathogenic. Last evaluated: 2024-10-30. Review status: criteria provided, single submitter. Criteria: Quest Diagnostics criteria. Collection method: clinical testing. Allele origin: unknown.
Comment: The VWF c.2269_2270del (p.Leu757Valfs*22) variant alters the translational reading frame of the VWF mRNA and is predicted to cause the premature termination of VWF protein synthesis. This variant has not been reported in individuals with VWF-related conditions in the published literature. The frequency of this variant in the general population, 0.000008 (2/251330 chromosomes (Genome Aggregation Database)), is uninformative in the assessment of its pathogenicity. Based on the available information, this variant is classified as likely pathogenic.

Angelo Bianchi Bonomi Hemophilia and Thrombosis Center, Fondazione IRCCS Ca Granda Ospedale Maggiore Policlinico
Classification: Likely pathogenic for von Willebrand disease type 3. Last evaluated: 2021-04-12. Review status: no assertion criteria provided. Collection method: clinical testing. Allele origin: germline. Affected: yes. Study: Type 3 Von Willebrand International Registries Inhibitor Prospective Study (3WINTERS-IPS). Not counted in ClinVar's aggregate classification.

Academic Unit of Haematology, University of Sheffield
No classification provided. Review status: no classification provided. Collection method: not provided. Allele origin: not provided. Not counted in ClinVar's aggregate classification.

NM_000552.5(VWF):c.2269_2270del (p.Leu757fs)

Gene: VWF (von Willebrand factor; minus strand). Cytogenetic location: 12p13.31.
Variant type: Deletion.
Coding change: c.2269_2270del on transcript NM_000552.5 (MANE Select); coding-DNA positions 2269 to 2270, 2 bases deleted (CT; older notation c.2269_2270delCT).
Protein change: p.Leu757fs; shifts the reading frame from leucine 757.
Molecular consequence: frameshift variant.
Genome position (GRCh38, 1-based): chr12:6,046,734-6,046,735, AG deleted on the plus strand (CT on the coding strand, the reverse complement: VWF is on the minus strand). VCF-style (leftmost placement, unchanged base first): chr12-6046733-CAG-C. GRCh37 (hg19) VCF-style: chr12-6155899-CAG-C.
Other names: c.2269_2270del (NM_000552.4); short protein forms L757fs.
Identifiers: ClinVar variation 100207 (VCV000100207.6), dbSNP rs61748465, ClinGen allele CA228313.